The following is an entry in ClinVar:

ClinVar aggregate classification (germline): Likely benign. Review status: criteria provided, multiple submitters, no conflicts (2 of 4 stars). 2 submissions from 2 submitters: Likely benign (2). Last evaluated 2025-02-11.

Submissions (2):

Women's Health and Genetics/Laboratory Corporation of America, LabCorp
Classification: Likely benign. Last evaluated: 2025-02-11. Review status: criteria provided, single submitter. Criteria: LabCorp Variant Classification Summary - May 2015. Collection method: clinical testing. Allele origin: germline.
Comment: Variant summary: HBB c.207C>A alters a conserved nucleotide resulting in a synonymous change. Consensus agreement among computation tools predict no significant impact on normal splicing. However, these predictions have yet to be confirmed by functional studies. The frequency data for this variant in gnomAD is considered unreliable, as metrics indicate poor data quality at this position. To our knowledge, no occurrence of c.207C>A in individuals affected with Hemoglobinopathy and no experimental evidence demonstrating its impact on protein function have been reported. No submitters have cited clinical-significance assessments for this variant to ClinVar. Based on the evidence outlined above, the variant was classified as likely benign.

Labcorp Genetics (formerly Invitae), Labcorp
Classification: Likely benign. Last evaluated: 2024-03-01. Review status: criteria provided, single submitter. Criteria: Invitae Variant Classification Sherloc (09022015). Collection method: clinical testing. Allele origin: germline.

NM_000518.5(HBB):c.207C>A (p.Leu69=)

Genes: HBB (hemoglobin subunit beta; minus strand), LOC106099062 (HBB recombination region; plus strand), LOC107133510 (origin of replication at HBB; plus strand). Cytogenetic location: 11p15.4.
Variant type: single nucleotide variant.
Coding change: c.207C>A on transcript NM_000518.5 (MANE Select); coding-DNA position 207, C replaced by A.
Protein change: p.Leu69=; no amino-acid change (leucine 69 retained).
Molecular consequence: synonymous variant.
Genome position (GRCh38, 1-based): chr11:5,226,685, G>T on the plus strand (C>A on the coding strand, the complement: HBB is on the minus strand). VCF-style: chr11-5226685-G-T. GRCh37 (hg19) VCF-style: chr11-5247915-G-T.
Identifiers: ClinVar variation 3627289 (VCV003627289.3).